The following is an entry in ClinVar:

ClinVar aggregate classification (germline): Uncertain significance. Review status: criteria provided, multiple submitters, no conflicts (2 of 4 stars). 2 submissions from 2 submitters: Uncertain significance (2). Last evaluated 2025-06-02.

Conditions:
Hereditary cancer-predisposing syndrome. Also called: Hereditary Cancer Syndrome; Neoplastic Syndromes, Hereditary; Tumor predisposition; Hereditary neoplastic syndrome. Identifiers: Orphanet 140162, MedGen C0027672, MeSH D009386, MONDO:0015356.

Submissions (2):

Ambry Genetics
Classification: Uncertain significance for Hereditary cancer-predisposing syndrome. Last evaluated: 2025-06-02. Review status: criteria provided, single submitter. Criteria: Ambry Variant Classification Scheme 2023. Collection method: clinical testing. Allele origin: germline.
Comment: The p.R267H variant (also known as c.800G>A), located in coding exon 2 of the HOXB13 gene, results from a G to A substitution at nucleotide position 800. The arginine at codon 267 is replaced by histidine, an amino acid with highly similar properties. This amino acid position is conserved. In addition, this alteration is predicted to be deleterious by in silico analysis. Based on the available evidence, the clinical significance of this variant remains unclear.

Labcorp Genetics (formerly Invitae), Labcorp
Classification: Uncertain significance. Last evaluated: 2024-08-08. Review status: criteria provided, single submitter. Criteria: Invitae Variant Classification Sherloc (09022015). Collection method: clinical testing. Allele origin: germline.
Comment: This sequence change replaces arginine, which is basic and polar, with histidine, which is basic and polar, at codon 267 of the HOXB13 protein (p.Arg267His). This variant is not present in population databases (gnomAD no frequency). This variant has not been reported in the literature in individuals affected with HOXB13-related conditions. Advanced modeling of protein sequence and biophysical properties (such as structural, functional, and spatial information, amino acid conservation, physicochemical variation, residue mobility, and thermodynamic stability) has been performed at Invitae for this missense variant, however the output from this modeling did not meet the statistical confidence thresholds required to predict the impact of this variant on HOXB13 protein function. In summary, the available evidence is currently insufficient to determine the role of this variant in disease. Therefore, it has been classified as a Variant of Uncertain Significance.

NM_006361.6(HOXB13):c.800G>A (p.Arg267His)

Gene: HOXB13 (homeobox B13; minus strand). Cytogenetic location: 17q21.32.
Variant type: single nucleotide variant.
Coding change: c.800G>A on transcript NM_006361.6 (MANE Select); coding-DNA position 800, G replaced by A.
Protein change: p.Arg267His; replaces arginine 267 with histidine.
Molecular consequence: missense variant.
Genome position (GRCh38, 1-based): chr17:48,726,845, C>T on the plus strand (G>A on the coding strand, the complement: HOXB13 is on the minus strand). VCF-style: chr17-48726845-C-T. GRCh37 (hg19) VCF-style: chr17-46804207-C-T.
Other names: short protein forms R267H.
Identifiers: ClinVar variation 3607953 (VCV003607953.3).